The following is an entry in ClinVar:

NM_001844.5(COL2A1):c.1123-2A>G

Gene: COL2A1 (collagen type II alpha 1 chain; minus strand). Cytogenetic location: 12q13.11.
Variant type: single nucleotide variant.
Coding change: c.1123-2A>G on transcript NM_001844.5 (MANE Select); the canonical splice acceptor site of the intron before coding-DNA position 1123, A replaced by G.
Molecular consequence: splice acceptor variant.
Genome position (GRCh38, 1-based): chr12:47,987,711, T>C on the plus strand (A>G on the coding strand, the complement: COL2A1 is on the minus strand). VCF-style: chr12-47987711-T-C. GRCh37 (hg19) VCF-style: chr12-48381494-T-C.
Other names: c.916-2A>G (NM_033150.3).
Identifiers: ClinVar variation 2982308 (VCV002982308.3), dbSNP rs2540153512, ClinGen allele CA384554674.

ClinVar aggregate classification (germline): Pathogenic (1 of 4 stars; one submission).

Submission:

Labcorp Genetics (formerly Invitae), Labcorp
Classification: Pathogenic. Last evaluated: 2023-10-23. Review status: criteria provided, single submitter. Criteria: Invitae Variant Classification Sherloc (09022015). Collection method: clinical testing. Allele origin: germline.
Comment: This sequence change affects an acceptor splice site in intron 18 of the COL2A1 gene. It is expected to disrupt RNA splicing. Variants that disrupt the donor or acceptor splice site typically lead to a loss of protein function (PMID: 16199547), and loss-of-function variants in COL2A1 are known to be pathogenic (PMID: 20179744). This variant is not present in population databases (gnomAD no frequency). Disruption of this splice site has been observed in individual(s) with autosomal dominant Stickler syndrome (PMID: 32427345). It has also been observed to segregate with disease in related individuals. Algorithms developed to predict the effect of sequence changes on RNA splicing suggest that this variant may disrupt the consensus splice site. For these reasons, this variant has been classified as Pathogenic.

Literature cited by the submitters: PubMed 16199547; PubMed 20179744; PubMed 32427345.